The following is an entry in ClinVar:

ClinVar aggregate classification (germline): Uncertain significance (1 of 4 stars; one submission).

Conditions:
Cardiac arrhythmia. Also called: Arrhythmia; Cardiac rhythm disease. Identifiers: MedGen C0003811, MONDO:0007263, HP:0011675.

Allele frequency attached by ClinVar (database versions not stated): gnomAD 0.00005 and 0.00006; gnomAD exomes 0.00013; ExAC 0.00018; TOPMed 0.00004.
gnomAD v4.1: 80 of 1,611,852 alleles (0.005%); highest among the groups gnomAD compares: African/African-American, 0.0067%; no homozygotes.

Submission:

Labcorp Genetics (formerly Invitae), Labcorp
Classification: Uncertain significance for Cardiac arrhythmia. Last evaluated: 2025-12-08. Review status: criteria provided, single submitter. Criteria: Invitae Variant Classification Sherloc (09022015). Collection method: clinical testing. Allele origin: germline.
Comment: This sequence change replaces proline, which is neutral and non-polar, with leucine, which is neutral and non-polar, at codon 145 of the RANGRF protein (p.Pro145Leu). This variant is present in population databases (rs201882524, gnomAD 0.02%). This variant has not been reported in the literature in individuals affected with RANGRF-related conditions. ClinVar contains an entry for this variant (Variation ID: 403735). An algorithm developed to predict the effect of missense changes on protein structure and function (PolyPhen-2) suggests that this variant is likely to be disruptive. In summary, the available evidence is currently insufficient to determine the role of this variant in disease. Therefore, it has been classified as a Variant of Uncertain Significance.

NM_016492.5(RANGRF):c.434C>T (p.Pro145Leu)

Genes: RANGRF (RAN guanine nucleotide release factor; plus strand), SLC25A35 (solute carrier family 25 member 35; minus strand). Cytogenetic location: 17p13.1.
Variant type: single nucleotide variant.
Coding change: c.434C>T on transcript NM_016492.5 (MANE Select); coding-DNA position 434, C replaced by T.
Protein change: p.Pro145Leu; replaces proline 145 with leucine.
Molecular consequence: missense variant. On other transcripts: 3 prime UTR variant (4), non-coding transcript variant (2), intron variant (1).
Genome position (GRCh38, 1-based): chr17:8,289,585, C>T. VCF-style: chr17-8289585-C-T. GRCh37 (hg19) VCF-style: chr17-8192903-C-T.
Other names: c.434C>T, p.Pro145Leu (NM_001177801.2); c.*24C>T (NM_001177802.2); c.*31G>A (NM_001320871.2, NM_001320872.2, NM_201520.3); c.351+171C>T (NM_001330127.2); short protein forms P145L.
Identifiers: ClinVar variation 403735 (VCV000403735.8), dbSNP rs201882524, ClinGen allele CA8374416.